The following is an entry in ClinVar:

ClinVar aggregate classification (germline): Uncertain significance. Review status: criteria provided, multiple submitters, no conflicts (2 of 4 stars). 3 submissions from 3 submitters: Uncertain significance (3). Last evaluated 2025-08-19.

Conditions:
Inborn genetic diseases. Identifiers: MedGen C0950123, MeSH D030342.

Allele frequency attached by ClinVar (database versions not stated): ExAC 0.00001; gnomAD 0.00001; TOPMed 0.00003; gnomAD exomes 0.00004.

Submissions (3):

Ambry Genetics
Classification: Uncertain significance for Inborn genetic diseases. Last evaluated: 2025-08-19. Review status: criteria provided, single submitter. Criteria: Ambry Variant Classification Scheme 2023. Collection method: clinical testing. Allele origin: germline.

Women's Health and Genetics/Laboratory Corporation of America, LabCorp
Classification: Uncertain significance. Last evaluated: 2025-07-01. Review status: criteria provided, single submitter. Criteria: LabCorp Variant Classification Summary - May 2015. Collection method: clinical testing. Allele origin: germline.
Comment: Variant summary: HPS6 c.2305C>G (p.Pro769Ala) results in a non-conservative amino acid change in the encoded protein sequence. Algorithms developed to predict the effect of missense changes on protein structure and function all suggest that this variant is likely to be disruptive. The variant allele was found at a frequency of 1.6e-05 in 246140 control chromosomes. The available data on variant occurrences in the general population are insufficient to allow any conclusion about variant significance. To our knowledge, no occurrence of c.2305C>G in individuals affected with Hermansky-Pudlak Syndrome and no experimental evidence demonstrating its impact on protein function have been reported. ClinVar contains an entry for this variant (Variation ID: 1914855). Based on the evidence outlined above, the variant was classified as uncertain significance.

Labcorp Genetics (formerly Invitae), Labcorp
Classification: Uncertain significance. Last evaluated: 2022-08-22. Review status: criteria provided, single submitter. Criteria: Invitae Variant Classification Sherloc (09022015). Collection method: clinical testing. Allele origin: germline.
Comment: This sequence change replaces proline, which is neutral and non-polar, with alanine, which is neutral and non-polar, at codon 769 of the HPS6 protein (p.Pro769Ala). This variant is present in population databases (rs760930116, gnomAD 0.004%). This variant has not been reported in the literature in individuals affected with HPS6-related conditions. Algorithms developed to predict the effect of missense changes on protein structure and function are either unavailable or do not agree on the potential impact of this missense change (SIFT: "Tolerated"; PolyPhen-2: "Possibly Damaging"; Align-GVGD: "Class C0"). In summary, the available evidence is currently insufficient to determine the role of this variant in disease. Therefore, it has been classified as a Variant of Uncertain Significance.

NM_024747.6(HPS6):c.2305C>G (p.Pro769Ala)

Gene: HPS6 (HPS6 biogenesis of lysosomal organelles complex 2 subunit 3; plus strand). Cytogenetic location: 10q24.32.
Variant type: single nucleotide variant.
Coding change: c.2305C>G on transcript NM_024747.6 (MANE Select); coding-DNA position 2305, C replaced by G.
Protein change: p.Pro769Ala; replaces proline 769 with alanine.
Molecular consequence: missense variant.
Genome position (GRCh38, 1-based): chr10:102,067,779, C>G. VCF-style: chr10-102067779-C-G. GRCh37 (hg19) VCF-style: chr10-103827536-C-G.
Other names: short protein forms P769A.
Identifiers: ClinVar variation 1914855 (VCV001914855.7), dbSNP rs760930116, ClinGen allele CA5660155.